The following is an entry in ClinVar:

NM_000294.3(PHKG2):c.392+2T>G

Gene: PHKG2 (phosphorylase kinase catalytic subunit gamma 2; plus strand). Cytogenetic location: 16p11.2.
Variant type: single nucleotide variant.
Coding change: c.392+2T>G on transcript NM_000294.3 (MANE Select); the canonical splice donor site of the intron after coding-DNA position 392, T replaced by G.
Molecular consequence: splice donor variant.
Genome position (GRCh38, 1-based): chr16:30,753,299, T>G. VCF-style: chr16-30753299-T-G. GRCh37 (hg19) VCF-style: chr16-30764620-T-G.
Other names: c.392+2T>G (NM_001172432.2).
Identifiers: ClinVar variation 2823366 (VCV002823366.3), dbSNP rs2543462043, ClinGen allele CA395656014.

ClinVar aggregate classification (germline): Likely pathogenic (1 of 4 stars; one submission).

Conditions:
Glycogen storage disease IXc (GSD9C). Also called: GSD IXc. Identifiers: Orphanet 264580, MedGen C2751643, MONDO:0013091, OMIM 613027.

Submission:

Labcorp Genetics (formerly Invitae), Labcorp
Classification: Likely pathogenic for Glycogen storage disease IXc. Last evaluated: 2022-12-22. Review status: criteria provided, single submitter. Criteria: Invitae Variant Classification Sherloc (09022015). Collection method: clinical testing. Allele origin: germline.
Comment: In summary, the currently available evidence indicates that the variant is pathogenic, but additional data are needed to prove that conclusively. Therefore, this variant has been classified as Likely Pathogenic. Algorithms developed to predict the effect of sequence changes on RNA splicing suggest that this variant may disrupt the consensus splice site. This variant has not been reported in the literature in individuals affected with PHKG2-related conditions. This variant is not present in population databases (gnomAD no frequency). This sequence change affects a donor splice site in intron 5 of the PHKG2 gene. It is expected to disrupt RNA splicing. Variants that disrupt the donor or acceptor splice site typically lead to a loss of protein function (PMID: 16199547), and loss-of-function variants in PHKG2 are known to be pathogenic (PMID: 8896567, 17689125, 21646031).

Literature cited by the submitters: PubMed 16199547; PubMed 8896567; PubMed 17689125; PubMed 21646031.